The following is an entry in ClinVar:

ClinVar aggregate classification (germline): Uncertain significance (1 of 4 stars; one submission).

Conditions:
Imerslund-Grasbeck syndrome. Also called: ENTEROCYTE COBALAMIN MALABSORPTION; ENTEROCYTE INTRINSIC FACTOR RECEPTOR, DEFECT OF; Megaloblastic anemia due to inborn errors of metabolism; Imerslund-Gräsbeck syndrome; PERNICIOUS ANEMIA, JUVENILE, DUE TO SELECTIVE INTESTINAL MALABSORPTION OF VITAMIN B12, WITH PROTEINURIA. Identifiers: Orphanet 35858, MedGen C4551825, MONDO:0009853.

Allele frequency attached by ClinVar (database versions not stated): gnomAD exomes below 0.00001.
gnomAD v4.1: 3 of 1,610,036 alleles (0.00019%); highest among the groups gnomAD compares: Non-Finnish European, 0.00026%; no homozygotes.

Submission:

Labcorp Genetics (formerly Invitae), Labcorp
Classification: Uncertain significance for Imerslund-Grasbeck syndrome. Last evaluated: 2025-06-12. Review status: criteria provided, single submitter. Criteria: Invitae Variant Classification Sherloc (09022015). Collection method: clinical testing. Allele origin: germline.
Comment: This sequence change replaces threonine, which is neutral and polar, with serine, which is neutral and polar, at codon 515 of the CUBN protein (p.Thr515Ser). This variant is not present in population databases (gnomAD no frequency). This variant has not been reported in the literature in individuals affected with CUBN-related conditions. ClinVar contains an entry for this variant (Variation ID: 2107987). Invitae Evidence Modeling of protein sequence and biophysical properties (such as structural, functional, and spatial information, amino acid conservation, physicochemical variation, residue mobility, and thermodynamic stability) indicates that this missense variant is not expected to disrupt CUBN protein function with a negative predictive value of 80%. In summary, the available evidence is currently insufficient to determine the role of this variant in disease. Therefore, it has been classified as a Variant of Uncertain Significance.

NM_001081.4(CUBN):c.1543A>T (p.Thr515Ser)

Gene: CUBN (cubilin; minus strand). Cytogenetic location: 10p13.
Variant type: single nucleotide variant.
Coding change: c.1543A>T on transcript NM_001081.4 (MANE Select); coding-DNA position 1543, A replaced by T.
Protein change: p.Thr515Ser; replaces threonine 515 with serine.
Molecular consequence: missense variant.
Genome position (GRCh38, 1-based): chr10:17,100,227, T>A on the plus strand (A>T on the coding strand, the complement: CUBN is on the minus strand). VCF-style: chr10-17100227-T-A. GRCh37 (hg19) VCF-style: chr10-17142226-T-A.
Other names: short protein forms T515S.
Identifiers: ClinVar variation 2107987 (VCV002107987.4), dbSNP rs2492036279, ClinGen allele CA376158351.